The following is an entry in ClinVar:

NM_014712.3(SETD1A):c.4711C>T (p.Arg1571Ter)

Gene: SETD1A (SET domain containing 1A, histone lysine methyltransferase; plus strand). Cytogenetic location: 16p11.2.
Variant type: single nucleotide variant.
Coding change: c.4711C>T on transcript NM_014712.3 (MANE Select); coding-DNA position 4711, C replaced by T.
Protein change: p.Arg1571Ter; replaces arginine 1571 with a stop codon.
Molecular consequence: nonsense.
Genome position (GRCh38, 1-based): chr16:30,981,079, C>T. VCF-style: chr16-30981079-C-T. GRCh37 (hg19) VCF-style: chr16-30992400-C-T.
Other names: short protein forms R1571*.
Identifiers: ClinVar variation 3256908 (VCV003256908.3).

ClinVar aggregate classification (germline): Pathogenic/Likely pathogenic. Review status: criteria provided, multiple submitters, no conflicts (2 of 4 stars). 2 submissions from 2 submitters: Pathogenic (1); Likely pathogenic (1). Last evaluated 2024-11-10.

Conditions:
Neurodevelopmental disorder with speech impairment and dysmorphic facies. Identifiers: MedGen C5436699, MONDO:0033630, OMIM 619056.

Submissions (2):

Victorian Clinical Genetics Services, Murdoch Childrens Research Institute
Classification: Pathogenic for Neurodevelopmental disorder with speech impairment and dysmorphic facies. Last evaluated: 2024-11-10. Review status: criteria provided, single submitter. Criteria: ACMG Guidelines, 2015. Collection method: clinical testing. Allele origin: germline. Affected: yes.
Comment: This variant is classified as Pathogenic. Evidence in support of pathogenic classification: Variant is predicted to cause nonsense-mediated decay (NMD) and loss of protein (premature termination codon is located at least 54 nucleotides upstream of the final exon-exon junction); Variant is absent from gnomAD (v2, v3 and v4); This variant has moderate previous evidence of pathogenicity in unrelated individuals. It has been classified as likely pathogenic by a clinical laboratory (ClinVar). It has also been reported in unrelated individuals with SETD1A-related features (DECIPHER, PMID: 37166351); Other NMD-predicted variant(s) comparable to the one identified in this case have very strong previous evidence for pathogenicity (DECIPHER). Additional information: This variant is heterozygous; This gene is associated with autosomal dominant disease; No published functional evidence has been identified for this variant; Loss of function is a known mechanism of disease in this gene and is associated with neurodevelopmental disorder with speech impairment and dysmorphic facies (MIM#619056), whereas the mechanism is unknown for early onset epilepsy with or without developmental delay (MIM#619056); Inheritance information for this variant is not currently available in this individual.

MVZ Medizinische Genetik Mainz
Classification: Likely pathogenic for Neurodevelopmental disorder with speech impairment and dysmorphic facies. Last evaluated: 2024-07-23. Review status: criteria provided, single submitter. Criteria: UK Practice Guidelines For Variant Classification V4 01 2020. Collection method: clinical testing. Allele origin: germline. Inheritance: Autosomal dominant inheritance. Affected: yes. Observed: 1 variant allele.

Literature cited by the submitters: PubMed 37166351 (cited by Victorian Clinical Genetics Services, Murdoch Childrens Research Institute).